The following is an entry in ClinVar:

ClinVar aggregate classification (germline): Pathogenic. Review status: reviewed by expert panel (3 of 4 stars). 6 submissions from 6 submitters: Pathogenic (1). 5 of the submissions do not count toward it. Last evaluated 2017-12-15.

Conditions:
Breast-ovarian cancer, familial, susceptibility to, 1 (BROVCA1). Also called: BRCA1 Hereditary Breast and Ovarian Cancer; OVARIAN CANCER, SUSCEPTIBILITY TO. Identifiers: Orphanet 145, MedGen C2676676, MONDO:0011450, OMIM 604370. Disease mechanism: loss of function.
Hereditary cancer-predisposing syndrome. Also called: Neoplastic Syndromes, Hereditary; Hereditary neoplastic syndrome; Hereditary Cancer Syndrome; Tumor predisposition. Identifiers: Orphanet 140162, MedGen C0027672, MeSH D009386, MONDO:0015356.
Hereditary breast ovarian cancer syndrome. Also called: Hereditary breast and ovarian cancer syndrome; Breast and ovarian cancer; Hereditary breast and ovarian cancer syndrome (HBOC); Hereditary breast and/or ovarian cancer syndrome; BRCA1- and BRCA2-Associated Hereditary Breast and Ovarian Cancer; Hereditary breast and ovarian cancer. Identifiers: Orphanet 145, MedGen C0677776, MeSH D061325, MONDO:0003582. Disease mechanism: loss of function.
Breast neoplasm. Also called: Neoplasm of breast; Breast tumor; Neoplasm of the breast; Breast Neoplasms. Identifiers: MedGen C1458155, MeSH D001943, MONDO:0021100, HP:0100013. Disease mechanism: gain of function.

Submissions (6):

Evidence-based Network for the Interpretation of Germline Mutant Alleles (ENIGMA)
Classification: Pathogenic for Breast-ovarian cancer, familial, susceptibility to, 1. Last evaluated: 2017-12-15. Review status: reviewed by expert panel. Criteria: ENIGMA BRCA1/2 Classification Criteria (2017-06-29). Collection method: curation. Allele origin: germline. Study: ENIGMA.
Comment: Variant allele predicted to encode a truncated non-functional protein.

Ambry Genetics
Classification: Pathogenic for Hereditary cancer-predisposing syndrome. Last evaluated: 2026-04-29. Review status: criteria provided, single submitter. Criteria: Ambry Variant Classification Scheme 2023. Collection method: clinical testing. Allele origin: germline. Not counted in ClinVar's aggregate classification.
Comment: The c.3644_3648delACTTA pathogenic mutation, located in coding exon 9 of the BRCA1 gene, results from a deletion of 5 nucleotides at nucleotide positions 3644 to 3648, causing a translational frameshift with a predicted alternate stop codon (p.N1215Ifs*2). This alteration is expected to result in loss of function by premature protein truncation or nonsense-mediated mRNA decay. As such, this alteration is interpreted as a disease-causing mutation.

Labcorp Genetics (formerly Invitae), Labcorp
Classification: Pathogenic for Hereditary breast ovarian cancer syndrome. Last evaluated: 2023-03-20. Review status: criteria provided, single submitter. Criteria: Invitae Variant Classification Sherloc (09022015). Collection method: clinical testing. Allele origin: germline. Not counted in ClinVar's aggregate classification.
Comment: For these reasons, this variant has been classified as Pathogenic. ClinVar contains an entry for this variant (Variation ID: 417831). This premature translational stop signal has been observed in individual(s) with a personal and/or family history of breast and/or ovarian cancer (PMID: 29339979, 29566657). This variant is present in population databases (no rsID available, gnomAD 0.003%). This sequence change creates a premature translational stop signal (p.Asn1215Ilefs*2) in the BRCA1 gene. It is expected to result in an absent or disrupted protein product. Loss-of-function variants in BRCA1 are known to be pathogenic (PMID: 20104584).

Quest Diagnostics Nichols Institute San Juan Capistrano
Classification: Pathogenic. Last evaluated: 2018-09-24. Review status: criteria provided, single submitter. Criteria: Quest Diagnostics criteria. Collection method: clinical testing. Allele origin: germline. Not counted in ClinVar's aggregate classification.
Comment: The variant results in a shift of the reading frame, and is therefore predicted to significantly disrupt the protein structure. Found in at least one symptomatic patient, and found in general population data that is consistent with pathogenicity.

Department of Medical Genetics, Oslo University Hospital
Classification: Pathogenic for Breast-ovarian cancer, familial, susceptibility to, 1. Last evaluated: 2016-02-01. Review status: criteria provided, single submitter. Criteria: ACMG Guidelines, 2015. Collection method: clinical testing. Allele origin: germline. Affected: yes. Observed: 1 variant allele. Not counted in ClinVar's aggregate classification.

Yang An-Suei Laboratory, Academia Sinica
Classification: Pathogenic for breast cancer. Review status: criteria provided, single submitter. Criteria: Submitter's publication. Collection method: clinical testing. Allele origin: germline. Affected: yes. Not counted in ClinVar's aggregate classification.

Literature cited by the submitters: PubMed 29339979 (cited by Labcorp Genetics (formerly Invitae), Labcorp and Quest Diagnostics Nichols Institute San Juan Capistrano); PubMed 29566657 (cited by Labcorp Genetics (formerly Invitae), Labcorp and Quest Diagnostics Nichols Institute San Juan Capistrano); PubMed 20104584 (cited by Labcorp Genetics (formerly Invitae), Labcorp).

NM_007294.4(BRCA1):c.3644_3648del (p.Asn1215fs)

Genes: BRCA1 (BRCA1 DNA repair associated; minus strand), LOC126862571 (BRD4-independent group 4 enhancer GRCh37_chr17:41243136-41244335; plus strand). Cytogenetic location: 17q21.31.
Variant type: Deletion.
Coding change: c.3644_3648del on transcript NM_007294.4 (MANE Select); coding-DNA positions 3644 to 3648, 5 bases deleted (ACTTA; older notation c.3644_3648delACTTA).
Protein change: p.Asn1215fs; shifts the reading frame from asparagine 1215.
Molecular consequence: frameshift variant. On other transcripts: intron variant (135).
Genome position (GRCh38, 1-based): chr17:43,091,883-43,091,887, TAAGT deleted on the plus strand (ACTTA on the coding strand, the reverse complement: BRCA1 is on the minus strand); deleting any 5 consecutive bases within chr17:43,091,883-43,091,888 gives the same sequence; the c. name uses the placement nearest the transcript's 3' end. VCF-style (leftmost placement, unchanged base first): chr17-43091882-ATAAGT-A. GRCh37 (hg19) VCF-style: chr17-41243899-ATAAGT-A.
Other names: c.3644_3648delACTTA (NM_007294.3); c.3503_3507del, p.Asn1168fs (NM_001407944.1, NM_001407945.1, NM_007297.4 and 29 more transcripts); c.3311_3315del, p.Asn1104fs (NM_001407946.1, NM_001407947.1, NM_001407948.1 and 6 more transcripts); c.3308_3312del, p.Asn1103fs (NM_001407954.1, NM_001407955.1, NM_001407956.1 and 1 more transcripts); c.3263_3267del, p.Asn1088fs (NM_001407959.1, NM_001407960.1, NM_001407963.1); c.3260_3264del, p.Asn1087fs (NM_001407962.1); c.3500_3504del, p.Asn1167fs (NM_001407964.1, NM_001407740.1, NM_001407741.1 and 20 more transcripts); c.3140_3144del, p.Asn1047fs (NM_001407965.1); and 42 more; short protein forms N1215fs, N1168fs, N1104fs, N1188fs, N1189fs, N1214fs, N919fs, N1088fs.
Identifiers: ClinVar variation 417831 (VCV000417831.10), dbSNP rs1060505051, ClinGen allele CA16616885.